The following is an entry in ClinVar:

ClinVar aggregate classification (germline): Uncertain significance (1 of 4 stars; one submission).

Conditions:
Congenital insensitivity to pain-hypohidrosis syndrome. Also called: HSAN VIII; Neuropathy, hereditary sensory and autonomic, type VIII. Identifiers: Orphanet 478664, MedGen C4225308, MONDO:0014662, OMIM 616488.

Allele frequency attached by ClinVar (database versions not stated): TOPMed 0.00001; ExAC 0.00002; gnomAD 0.00002; gnomAD exomes 0.00003.
gnomAD v4.1: 49 of 1,612,336 alleles (0.003%); highest among the groups gnomAD compares: Middle Eastern, 0.066%; no homozygotes.

Submission:

Labcorp Genetics (formerly Invitae), Labcorp
Classification: Uncertain significance for Congenital insensitivity to pain-hypohidrosis syndrome. Last evaluated: 2022-10-18. Review status: criteria provided, single submitter. Criteria: Invitae Variant Classification Sherloc (09022015). Collection method: clinical testing. Allele origin: germline.
Comment: This sequence change replaces alanine, which is neutral and non-polar, with valine, which is neutral and non-polar, at codon 123 of the PRDM12 protein (p.Ala123Val). This variant is present in population databases (rs750758387, gnomAD 0.005%). This variant has not been reported in the literature in individuals affected with PRDM12-related conditions. Advanced modeling of protein sequence and biophysical properties (such as structural, functional, and spatial information, amino acid conservation, physicochemical variation, residue mobility, and thermodynamic stability) performed at Invitae indicates that this missense variant is not expected to disrupt PRDM12 protein function. In summary, the available evidence is currently insufficient to determine the role of this variant in disease. Therefore, it has been classified as a Variant of Uncertain Significance.

NM_021619.3(PRDM12):c.368C>T (p.Ala123Val)

Genes: PRDM12 (PR/SET domain 12; plus strand), LOC126860775 (CDK7 strongly-dependent group 2 enhancer GRCh37_chr9:133541982-133543181; plus strand). Cytogenetic location: 9q34.12.
Variant type: single nucleotide variant.
Coding change: c.368C>T on transcript NM_021619.3 (MANE Select); coding-DNA position 368, C replaced by T.
Protein change: p.Ala123Val; replaces alanine 123 with valine.
Molecular consequence: missense variant.
Genome position (GRCh38, 1-based): chr9:130,666,752, C>T. VCF-style: chr9-130666752-C-T. GRCh37 (hg19) VCF-style: chr9-133542139-C-T.
Other names: short protein forms A123V.
Identifiers: ClinVar variation 2037784 (VCV002037784.1), dbSNP rs750758387, ClinGen allele CA5284508.